The following is an entry in ClinVar:

ClinVar aggregate classification (germline): Likely pathogenic (1 of 4 stars; one submission).

Conditions:
Hermansky-Pudlak syndrome (HPS). Also called: ALBINISM WITH HEMORRHAGIC DIATHESIS AND PIGMENTED RETICULOENDOTHELIAL CELLS. Identifiers: Orphanet 79430, MedGen C0079504, MONDO:0019312.

Submission:

Natera, Inc.
Classification: Likely pathogenic for Hermansky-Pudlak syndrome. Last evaluated: 2025-03-31. Review status: criteria provided, single submitter. Criteria: Natera Variant Classification Schema (03/2026). Collection method: clinical testing. Allele origin: germline.
Comment: The c.1711_1713delinsTAG variant in HPS3 is a deletion-insertion (delins) variant predicted to replace one or more nucleotides with a different sequence. This variant is expected to result in nonsense mediated decay, truncation, or a dysfunctional protein product. This variant is rare in the general population with a frequency below the threshold expected for the associated phenotype(s). Given the available evidence, this variant is classified as Likely Pathogenic.

NM_032383.5(HPS3):c.1711_1713delinsTAG (p.His571Ter)

Gene: HPS3 (HPS3 biogenesis of lysosomal organelles complex 2 subunit 1; plus strand). Cytogenetic location: 3q24.
Variant type: Indel.
Coding change: c.1711_1713delinsTAG on transcript NM_032383.5 (MANE Select); coding-DNA positions 1711 to 1713, CAT replaced by TAG.
Protein change: p.His571Ter; replaces histidine 571 with a stop codon.
Molecular consequence: nonsense.
Genome position (GRCh38, 1-based): chr3:149,158,685-149,158,687, CAT replaced by TAG. VCF-style: chr3-149158685-CAT-TAG. GRCh37 (hg19) VCF-style: chr3-148876472-CAT-TAG.
Other names: c.1216_1218delinsTAG, p.His406Ter (NM_001308258.2); short protein forms H406*, H571*.
Identifiers: ClinVar variation 4816322 (VCV004816322.1).